The following is an entry in ClinVar:

NM_015158.5(KANK1):c.3574C>G (p.Gln1192Glu)

Gene: KANK1 (KN motif and ankyrin repeat domains 1; plus strand). Cytogenetic location: 9p24.3.
Variant type: single nucleotide variant.
Coding change: c.3574C>G on transcript NM_015158.5 (MANE Select); coding-DNA position 3574, C replaced by G.
Protein change: p.Gln1192Glu; replaces glutamine 1192 with glutamic acid.
Molecular consequence: missense variant. On other transcripts: non-coding transcript variant (1).
Genome position (GRCh38, 1-based): chr9:740,812, C>G. VCF-style: chr9-740812-C-G. GRCh37 (hg19) VCF-style: chr9-740812-C-G.
Other names: c.3574C>G, p.Gln1192Glu (NM_001256876.3, NM_001256877.3, NM_001354334.2); c.3046C>G, p.Gln1016Glu (NM_001354340.2, NM_001354344.2, NM_001354338.2); c.3100C>G, p.Gln1034Glu (NM_001354341.2, NM_153186.6, NM_001354333.2 and 2 more transcripts); c.2860C>G, p.Gln954Glu (NM_001354342.2, NM_001354343.2, NM_001354339.2); c.3334C>G, p.Gln1112Glu (NM_001354331.2); c.3520C>G, p.Gln1174Glu (NM_001354332.2); c.2806C>G, p.Gln936Glu (NM_001354336.2); short protein forms Q1016E, Q1034E, Q1112E, Q1174E, Q1192E, Q936E, Q954E.
Identifiers: ClinVar variation 3610479 (VCV003610479.2).

ClinVar aggregate classification (germline): Uncertain significance (1 of 4 stars; one submission).

gnomAD v4.1: 19 of 1,612,766 alleles (0.0012%); highest among the groups gnomAD compares: South Asian, 0.018%; 1 homozygote.

Submission:

Labcorp Genetics (formerly Invitae), Labcorp
Classification: Uncertain significance. Last evaluated: 2024-08-01. Review status: criteria provided, single submitter. Criteria: Invitae Variant Classification Sherloc (09022015). Collection method: clinical testing. Allele origin: germline.
Comment: This sequence change replaces glutamine, which is neutral and polar, with glutamic acid, which is acidic and polar, at codon 1192 of the KANK1 protein (p.Gln1192Glu). This variant is present in population databases (rs772374147, gnomAD 0.02%). This variant has not been reported in the literature in individuals affected with KANK1-related conditions. Advanced modeling of protein sequence and biophysical properties (such as structural, functional, and spatial information, amino acid conservation, physicochemical variation, residue mobility, and thermodynamic stability) performed at Invitae indicates that this missense variant is expected to disrupt KANK1 protein function with a positive predictive value of 80%. In summary, the available evidence is currently insufficient to determine the role of this variant in disease. Therefore, it has been classified as a Variant of Uncertain Significance.